The following is an entry in ClinVar:

NM_001105247.2(ARMC5):c.1039C>T (p.Pro347Ser)

Gene: ARMC5 (armadillo repeat containing 5; plus strand). Cytogenetic location: 16p11.2.
Variant type: single nucleotide variant.
Coding change: c.1039C>T on transcript NM_001105247.2 (MANE Select); coding-DNA position 1039, C replaced by T.
Protein change: p.Pro347Ser; replaces proline 347 with serine.
Molecular consequence: missense variant.
Genome position (GRCh38, 1-based): chr16:31,462,586, C>T. VCF-style: chr16-31462586-C-T. GRCh37 (hg19) VCF-style: chr16-31473907-C-T.
Other names: c.1324C>T, p.Pro442Ser (NM_001288767.2); c.1135C>T, p.Pro379Ser (NM_001301820.1); c.1039C>T, p.Pro347Ser (NM_024742.2); c.1324C>T (NM_001288767.1); short protein forms P347S, P379S, P442S.
Identifiers: ClinVar variation 1686514 (VCV001686514.4), dbSNP rs79238971, ClinGen allele CA8029597.
Genomic context (GRCh38, chr16:31,462,586, plus strand): 5'-CTGGTAGATGAGCTCCGGCAGCGCCGGGATCCTAATGGAGCTAGCCCAACCTCCCAGCAG[C>T]CCCTGGTGCGGGCTGTGTGCCTCCTATGTCGTGAGGCCATCAACCGGGCCCGACTGCGGG-3'
Protein context (NP_001098717.1, residues 337-357): PNGASPTSQQ[Pro347Ser]LVRAVCLLCR

ClinVar aggregate classification (germline): Benign. Review status: criteria provided, multiple submitters, no conflicts (2 of 4 stars). 3 submissions from 3 submitters: Benign (2). 1 of the submissions does not count toward it. Last evaluated 2022-05-04.

Conditions:
ARMC5-related disorder. Also called: ARMC5-related condition.

Allele frequency attached by ClinVar (database versions not stated): gnomAD 0.00006 and 0.00009; TOPMed 0.00006; gnomAD exomes 0.00009 and 0.00015; ExAC 0.00011; 1000 Genomes Project 30x 0.00031; 1000 Genomes Project 0.00040.
gnomAD v4.1: 231 of 1,612,764 alleles (0.014%); highest among the groups gnomAD compares: East Asian, 0.51%; no homozygotes.

Submissions (3):

Mendelics
Classification: Benign. Last evaluated: 2022-05-04. Review status: criteria provided, single submitter. Criteria: Mendelics Assertion Criteria 2019. Collection method: clinical testing. Allele origin: germline.

Laboratory for Molecular Medicine, Mass General Brigham Personalized Medicine
Classification: Benign. Last evaluated: 2021-02-17. Review status: criteria provided, single submitter. Criteria: ACMG Guidelines, 2015. Collection method: clinical testing. Allele origin: germline.
Comment: The p.Pro347Ser variant in ARMC5 is classified as benign because it has been identified in 0.2% (36/22340) of East Asian chromosomes by gnomAD. Additionally, this variant was found in only one of two affected members of a family with primary macronodular adrenal hyperplasia (PMAH) and both affected members of this family carried a different ARMC5 variant that was more likely to explain their PMAH (Suzuki 2015 PMID: 26214113). Computational prediction tools and conservation analyses support that this variant may not impact the protein. ACMG/AMP criteria applied: BS1, BS4, BP2, BP4.

PreventionGenetics, part of Exact Sciences
Classification: Likely benign for ARMC5-related condition. Last evaluated: 2022-05-25. Review status: no assertion criteria provided. Collection method: clinical testing. Allele origin: germline. Not counted in ClinVar's aggregate classification.
Comment: This variant is classified as likely benign based on ACMG/AMP sequence variant interpretation guidelines (Richards et al. 2015 PMID: 25741868, with internal and published modifications).

Literature cited by the submitters: PubMed 26214113 (cited by Laboratory for Molecular Medicine, Mass General Brigham Personalized Medicine).